The following is an entry in ClinVar:

NM_001039141.3(TRIOBP):c.7017C>T (p.Ile2339=)

Gene: TRIOBP (TRIO and F-actin binding protein; plus strand). Cytogenetic location: 22q13.1.
Variant type: single nucleotide variant.
Coding change: c.7017C>T on transcript NM_001039141.3 (MANE Select); coding-DNA position 7017, C replaced by T.
Protein change: p.Ile2339=; no amino-acid change (isoleucine 2339 retained).
Molecular consequence: synonymous variant.
Genome position (GRCh38, 1-based): chr22:37,772,681, C>T. VCF-style: chr22-37772681-C-T. GRCh37 (hg19) VCF-style: chr22-38168688-C-T.
Other names: c.1878C>T, p.Ile626= (NM_007032.5).
Identifiers: ClinVar variation 179279 (VCV000179279.5), dbSNP rs149496377, ClinGen allele CA184107.

ClinVar aggregate classification (germline): Likely benign (1 of 4 stars; one submission).

Allele frequency attached by ClinVar (database versions not stated): gnomAD 0.00001; ExAC 0.00003; TOPMed 0.00003; gnomAD exomes 0.00005; 1000 Genomes Project 30x 0.00016; 1000 Genomes Project 0.00020.
gnomAD v4.1: 11 of 1,614,088 alleles (0.00068%); highest among the groups gnomAD compares: East Asian, 0.011%; no homozygotes.

Submission:

Laboratory for Molecular Medicine, Mass General Brigham Personalized Medicine
Classification: Likely benign. Last evaluated: 2013-09-28. Review status: criteria provided, single submitter. Criteria: LMM Criteria. Collection method: clinical testing. Allele origin: germline. Observed: 1 variant allele.
Comment: Ile2339Ile in Exon 23 of TRIOBP: This variant is not expected to have clinical s ignificance because it does not alter an amino acid residue, is not located with in the splice consensus sequence, and was identified in 0.5% (1/194) Chinese chr omosomes by the 1000 Genomes Project (dbSNP rs149496 377).